The following is an entry in ClinVar:

ClinVar aggregate classification (germline): Conflicting classifications of pathogenicity. Review status: criteria provided, conflicting classifications (1 of 4 stars). 4 submissions from 4 submitters: Uncertain significance (3); Benign (1). Last evaluated 2024-01-02.

Conditions:
Familial thoracic aortic aneurysm and aortic dissection (TAAD). Also called: Thoracic aortic aneurysms and dissections. Identifiers: Orphanet 91387, MedGen C4707243, MONDO:0019625.
Marfan syndrome (MFS). Also called: Marfan syndrome, classic; Marfan syndrome type 1; Marfan's syndrome; FBN1-Related Marfan Syndrome; MARFAN SYNDROME, TYPE I. Identifiers: Orphanet 284963, Orphanet 558, MedGen C0024796, MONDO:0007947, OMIM 154700.
Weill-Marchesani syndrome 2, dominant. Also called: FBN1-Related Weill-Marchesani Syndrome; Weill-Marchesani Syndrome, Autosomal Dominant. Identifiers: Orphanet 2084, MedGen C1869115, MONDO:0012013, OMIM 608328.
Progeroid and marfanoid aspect-lipodystrophy syndrome. Also called: MARFANOID-PROGEROID SYNDROME; MARFAN-PROGEROID-LIPODYSTROPHY SYNDROME; Marfan lipodystrophy syndrome; MARFANOID-PROGEROID-LIPODYSTROPHY SYNDROME. Identifiers: Orphanet 300382, MedGen C4310796, MONDO:0014831, OMIM 616914.
Acromicric dysplasia (ACMICD). Also called: Acromicric skeletal dysplasia. Identifiers: Orphanet 969, MedGen C0265287, MONDO:0007055, OMIM 102370.
Ectopia lentis 1, isolated, autosomal dominant (ECTOL1). Identifiers: Orphanet 1885, MedGen C3541518, MONDO:0007514, OMIM 129600.
Geleophysic dysplasia 2 (GPHYSD2). Identifiers: Orphanet 2623, MedGen C3280054, MONDO:0013612, OMIM 614185.
MASS syndrome (OCTD). Also called: OVERLAP CONNECTIVE TISSUE DISEASE; MASS PHENOTYPE. Identifiers: MedGen C1858556, MONDO:0011431, OMIM 604308.
Stiff skin syndrome (SSKS). Identifiers: Orphanet 2833, MedGen C1861456, MONDO:0008492, OMIM 184900.

Allele frequency attached by ClinVar (database versions not stated): gnomAD 0.00001; gnomAD exomes below 0.00001; ExAC 0.00001; TOPMed 0.00002.
gnomAD v4.1: 4 of 1,614,012 alleles (0.00025%); highest among the groups gnomAD compares: African/African-American, 0.004%; no homozygotes.

Submissions (4):

Labcorp Genetics (formerly Invitae), Labcorp
Classification: Benign for Marfan syndrome; Familial thoracic aortic aneurysm and aortic dissection. Last evaluated: 2024-01-02. Review status: criteria provided, single submitter. Criteria: Invitae Variant Classification Sherloc (09022015). Collection method: clinical testing. Allele origin: germline.

All of Us Research Program, National Institutes of Health
Classification: Uncertain significance for Marfan syndrome. Last evaluated: 2023-11-20. Review status: criteria provided, single submitter. Criteria: ACMG Guidelines, 2015. Collection method: clinical testing. Allele origin: germline. Inheritance: Autosomal dominant inheritance. Observed: 1 variant allele, 1 heterozygote.
Comment: This missense variant replaces alanine with valine at codon 373 of the FBN1 protein. Computational prediction suggests that this variant may not impact protein structure and function (internally defined REVEL score threshold <= 0.5, PMID: 27666373). Splice site prediction tools suggest that this variant may not impact RNA splicing. To our knowledge, functional studies have not been performed for this variant. This variant has not been reported in individuals affected with cardiovascular disorders in the literature. This variant has been identified in 2/282660 chromosomes in the general population by the Genome Aggregation Database (gnomAD). The available evidence is insufficient to determine the role of this variant in disease conclusively. Therefore, this variant is classified as a Variant of Uncertain Significance.

This study involves interpretation of variants in research participants for the purpose of population health screening. Participant phenotype was not available at the time of variant classification. Additional details can be found in publication PMID: 35346344, PMCID: PMC8962531

Color Diagnostics, LLC DBA Color Health
Classification: Uncertain significance for Familial thoracic aortic aneurysm and aortic dissection. Last evaluated: 2023-11-03. Review status: criteria provided, single submitter. Criteria: ACMG Guidelines, 2015. Collection method: clinical testing. Allele origin: germline.
Comment: This missense variant replaces alanine with valine at codon 373 of the FBN1 protein. Computational prediction suggests that this variant may not impact protein structure and function (internally defined REVEL score threshold <= 0.5, PMID: 27666373). To our knowledge, functional studies have not been reported for this variant. This variant has been reported in one individual affected with thoracic aortic aneurysm (PMID: 28659821). This variant has been identified in 2/282660 chromosomes in the general population by the Genome Aggregation Database (gnomAD). The available evidence is insufficient to determine the role of this variant in disease conclusively. Therefore, this variant is classified as a Variant of Uncertain Significance.

Fulgent Genetics
Classification: Uncertain significance for Acromicric dysplasia; Ectopia lentis 1, isolated, autosomal dominant; Marfan syndrome; Stiff skin syndrome; MASS syndrome; Weill-Marchesani syndrome 2, dominant; Geleophysic dysplasia 2; Progeroid and marfanoid aspect-lipodystrophy syndrome. Last evaluated: 2021-08-09. Review status: criteria provided, single submitter. Criteria: ACMG Guidelines, 2015. Collection method: clinical testing. Allele origin: unknown.

Literature cited by the submitters: PubMed 28659821 (cited by Color Diagnostics, LLC DBA Color Health).

NM_000138.5(FBN1):c.1118C>T (p.Ala373Val)

Genes: FBN1 (fibrillin 1; minus strand), LOC113939944 (Sharpr-MPRA regulatory region 9539; plus strand). Cytogenetic location: 15q21.1.
Variant type: single nucleotide variant.
Coding change: c.1118C>T on transcript NM_000138.5 (MANE Select); coding-DNA position 1118, C replaced by T.
Protein change: p.Ala373Val; replaces alanine 373 with valine.
Molecular consequence: missense variant.
Genome position (GRCh38, 1-based): chr15:48,520,688, G>A on the plus strand (C>T on the coding strand, the complement: FBN1 is on the minus strand). VCF-style: chr15-48520688-G-A. GRCh37 (hg19) VCF-style: chr15-48812885-G-A.
Other names: short protein forms A373V.
Identifiers: ClinVar variation 919888 (VCV000919888.10), dbSNP rs762598979, ClinGen allele CA043580.